The following is an entry in ClinVar:

NM_006947.4(SRP72):c.1262A>G (p.Asp421Gly)

Gene: SRP72 (signal recognition particle 72; plus strand). Cytogenetic location: 4q12.
Variant type: single nucleotide variant.
Coding change: c.1262A>G on transcript NM_006947.4 (MANE Select); coding-DNA position 1262, A replaced by G.
Protein change: p.Asp421Gly; replaces aspartic acid 421 with glycine.
Molecular consequence: missense variant. On other transcripts: non-coding transcript variant (1).
Genome position (GRCh38, 1-based): chr4:56,489,425, A>G. VCF-style: chr4-56489425-A-G. GRCh37 (hg19) VCF-style: chr4-57355591-A-G.
Other names: c.1079A>G, p.Asp360Gly (NM_001267722.2); short protein forms D360G, D421G.
Identifiers: ClinVar variation 5030263 (VCV005030263.1).
Genomic context (GRCh38, chr4:56,489,425, plus strand): 5'-AATTTATACCTTTGGCTGTGTAGGTATCTGCATTAGTTACCATGTATAGCCATGAAGAAG[A>G]TATTGATAGTGCCATTGAGGTCTTCACACAAGCTATCCAGTGGTATCAAAACCATCAGGT-3'
Protein context (NP_008878.3, residues 411-431): ALVTMYSHEE[Asp421Gly]IDSAIEVFTQ

ClinVar aggregate classification (germline): Uncertain significance (1 of 4 stars; one submission).

Submission:

Ambry Genetics
Classification: Uncertain significance. Last evaluated: 2026-08-31. Review status: criteria provided, single submitter. Criteria: Ambry Variant Classification Scheme 2023. Collection method: clinical testing. Allele origin: germline.
Comment: The p.D421G variant (also known as c.1262A>G), located in coding exon 13 of the SRP72 gene, results from an A to G substitution at nucleotide position 1262. The aspartic acid at codon 421 is replaced by glycine, an amino acid with similar properties. This amino acid position is conserved. In addition, this alteration is predicted to be deleterious by in silico analysis. Based on the available evidence, the clinical significance of this variant remains unclear.